The following is an entry in ClinVar:

NM_003265.3(TLR3):c.38G>C (p.Gly13Ala)

Gene: TLR3 (toll like receptor 3; plus strand). Cytogenetic location: 4q35.1.
Variant type: single nucleotide variant.
Coding change: c.38G>C on transcript NM_003265.3 (MANE Select); coding-DNA position 38, G replaced by C.
Protein change: p.Gly13Ala; replaces glycine 13 with alanine.
Molecular consequence: missense variant.
Genome position (GRCh38, 1-based): chr4:186,076,657, G>C. VCF-style: chr4-186076657-G-C. GRCh37 (hg19) VCF-style: chr4-186997811-G-C.
Other names: short protein forms G13A.
Identifiers: ClinVar variation 1980829 (VCV001980829.4), dbSNP rs371978453, ClinGen allele CA3161146.
Genomic context (GRCh38, chr4:186,076,657, plus strand): 5'-TGTTTCTTTTCTACAGCAGAATCATGAGACAGACTTTGCCTTGTATCTACTTTTGGGGGG[G>C]CCTTTTGCCCTTTGGGATGCTGTGTGCATCCTCCACCACCAAGTGCACTGTTAGCCATGA-3'
Protein context (NP_003256.1, residues 3-23): QTLPCIYFWG[Gly13Ala]LLPFGMLCAS

ClinVar aggregate classification (germline): Uncertain significance (1 of 4 stars; one submission).

Conditions:
Encephalopathy, acute, infection-induced (herpes-specific), susceptibility to, 1. Also called: Herpes simplex encephalitis, susceptibility to, 1. Identifiers: Orphanet 1930, MedGen C2750180, MONDO:0024563, OMIM 610551.

Allele frequency attached by ClinVar (database versions not stated): ESP Exome Variant Server 0.00008.
gnomAD v4.1: 19 of 1,614,004 alleles (0.0012%); highest among the groups gnomAD compares: East Asian, 0.0045%; no homozygotes.

Submission:

Labcorp Genetics (formerly Invitae), Labcorp
Classification: Uncertain significance for Encephalopathy, acute, infection-induced (herpes-specific), susceptibility to, 1. Last evaluated: 2024-10-24. Review status: criteria provided, single submitter. Criteria: Invitae Variant Classification Sherloc (09022015). Collection method: clinical testing. Allele origin: germline.
Comment: This sequence change replaces glycine, which is neutral and non-polar, with alanine, which is neutral and non-polar, at codon 13 of the TLR3 protein (p.Gly13Ala). This variant is present in population databases (rs371978453, gnomAD no frequency). This variant has not been reported in the literature in individuals affected with TLR3-related conditions. ClinVar contains an entry for this variant (Variation ID: 1980829). An algorithm developed to predict the effect of missense changes on protein structure and function (PolyPhen-2) suggests that this variant is likely to be tolerated. In summary, the available evidence is currently insufficient to determine the role of this variant in disease. Therefore, it has been classified as a Variant of Uncertain Significance.